The following is an entry in ClinVar:

NM_001244008.2(KIF1A):c.1684+299C>T

Gene: KIF1A (kinesin family member 1A; minus strand). Cytogenetic location: 2q37.3.
Variant type: single nucleotide variant.
Coding change: c.1684+299C>T on transcript NM_001244008.2 (MANE Select); 299 bases into the intron after coding-DNA position 1684, C replaced by T.
Molecular consequence: intron variant.
Genome position (GRCh38, 1-based): chr2:240,766,616, G>A on the plus strand (C>T on the coding strand, the complement: KIF1A is on the minus strand). VCF-style: chr2-240766616-G-A. GRCh37 (hg19) VCF-style: chr2-241706033-G-A.
Other names: c.1657+299C>T (NM_001379653.1, NM_001379650.1, NM_001379645.1 and 10 more transcripts); c.1759+299C>T (NM_001379635.1, NM_001330290.2, NM_001379646.1 and 2 more transcripts); c.1732+299C>T (NM_001379637.1, NM_001379648.1); c.1684+299C>T (NM_001320705.2, NM_001379638.1, NM_001330289.2).
Identifiers: ClinVar variation 683900 (VCV000683900.1), dbSNP rs3755536, ClinGen allele CA16131844.

ClinVar aggregate classification (germline): Benign (1 of 4 stars; one submission).

Allele frequency attached by ClinVar (database versions not stated): TOPMed 0.27299; gnomAD 0.27322 and 0.27649; 1000 Genomes Project 30x 0.32870; 1000 Genomes Project 0.33387.
gnomAD v4.1: 41,981 of 151,894 alleles (28%); highest among the groups gnomAD compares: East Asian, 55%; 6,029 homozygotes.

Submission:

GeneDx
Classification: Benign. Last evaluated: 2018-06-19. Review status: criteria provided, single submitter. Criteria: GeneDx Variant Classification (06012015). Collection method: clinical testing. Allele origin: germline. Affected: yes.
Comment: This variant is considered likely benign or benign based on one or more of the following criteria: it is a conservative change, it occurs at a poorly conserved position in the protein, it is predicted to be benign by multiple in silico algorithms, and/or has population frequency not consistent with disease.